The following is an entry in ClinVar:

ClinVar aggregate classification (germline): Uncertain significance (1 of 4 stars; one submission).

Submission:

Labcorp Genetics (formerly Invitae), Labcorp
Classification: Uncertain significance. Last evaluated: 2023-11-02. Review status: criteria provided, single submitter. Criteria: Invitae Variant Classification Sherloc (09022015). Collection method: clinical testing. Allele origin: germline.
Comment: This sequence change replaces lysine, which is basic and polar, with arginine, which is basic and polar, at codon 717 of the CTNNA1 protein (p.Lys717Arg). This variant is not present in population databases (gnomAD no frequency). This variant has not been reported in the literature in individuals affected with CTNNA1-related conditions. Advanced modeling of protein sequence and biophysical properties (such as structural, functional, and spatial information, amino acid conservation, physicochemical variation, residue mobility, and thermodynamic stability) performed at Invitae indicates that this missense variant is not expected to disrupt CTNNA1 protein function with a negative predictive value of 80%. In summary, the available evidence is currently insufficient to determine the role of this variant in disease. Therefore, it has been classified as a Variant of Uncertain Significance.

NM_001903.5(CTNNA1):c.2150A>G (p.Lys717Arg)

Gene: CTNNA1 (catenin alpha 1; plus strand). Cytogenetic location: 5q31.2.
Variant type: single nucleotide variant.
Coding change: c.2150A>G on transcript NM_001903.5 (MANE Select); coding-DNA position 2150, A replaced by G.
Protein change: p.Lys717Arg; replaces lysine 717 with arginine.
Molecular consequence: missense variant.
Genome position (GRCh38, 1-based): chr5:138,930,612, A>G. VCF-style: chr5-138930612-A-G. GRCh37 (hg19) VCF-style: chr5-138266301-A-G.
Other names: c.2150A>G, p.Lys717Arg (NM_001290307.3, NM_001323982.2, NM_001323983.1 and 2 more transcripts); c.1841A>G, p.Lys614Arg (NM_001290309.3); c.1781A>G, p.Lys594Arg (NM_001290310.3); c.1040A>G, p.Lys347Arg (NM_001290312.1, NM_001323997.1, NM_001323998.1 and 17 more transcripts); c.2057A>G, p.Lys686Arg (NM_001323986.2); c.701A>G, p.Lys234Arg (NM_001324006.1, NM_001324007.1, NM_001324008.1 and 2 more transcripts); c.947A>G, p.Lys316Arg (NM_001324011.1); c.797A>G, p.Lys266Arg (NM_001324012.1, NM_001324013.1); short protein forms K234R, K266R, K594R, K316R, K614R, K686R, K347R, K717R.
Identifiers: ClinVar variation 2692671 (VCV002692671.3), dbSNP rs2533850787, ClinGen allele CA361133620.